The following is an entry in ClinVar:

ClinVar aggregate classification (germline): Uncertain significance. Review status: criteria provided, multiple submitters, no conflicts (2 of 4 stars). 3 submissions from 3 submitters: Uncertain significance (2). 1 of the submissions does not count toward it. Last evaluated 2025-05-05.

Conditions:
Bardet-Biedl syndrome (BBS). Identifiers: Orphanet 110, MedGen C0752166, MONDO:0015229.
Bardet-Biedl syndrome 9 (BBS9). Identifiers: Orphanet 110, MedGen C1859567, MONDO:0014437, OMIM 615986.
BBS9-related disorder. Also called: BBS9-related condition.

Allele frequency attached by ClinVar (database versions not stated): ExAC 0.00001; TOPMed 0.00003.
gnomAD v4.1: 24 of 1,613,546 alleles (0.0015%); highest among the groups gnomAD compares: Admixed American, 0.017%; no homozygotes.

Submissions (3):

Labcorp Genetics (formerly Invitae), Labcorp
Classification: Uncertain significance for Bardet-Biedl syndrome. Last evaluated: 2025-05-05. Review status: criteria provided, single submitter. Criteria: Invitae Variant Classification Sherloc (09022015). Collection method: clinical testing. Allele origin: germline.
Comment: This sequence change replaces arginine, which is basic and polar, with histidine, which is basic and polar, at codon 7 of the BBS9 protein (p.Arg7His). This variant is present in population databases (rs746340993, gnomAD 0.01%). This variant has not been reported in the literature in individuals affected with BBS9-related conditions. ClinVar contains an entry for this variant (Variation ID: 1501963). Invitae Evidence Modeling of protein sequence and biophysical properties (such as structural, functional, and spatial information, amino acid conservation, physicochemical variation, residue mobility, and thermodynamic stability) indicates that this missense variant is expected to disrupt BBS9 protein function with a positive predictive value of 80%. In summary, the available evidence is currently insufficient to determine the role of this variant in disease. Therefore, it has been classified as a Variant of Uncertain Significance.

Fulgent Genetics
Classification: Uncertain significance for Bardet-Biedl syndrome 9. Last evaluated: 2022-04-04. Review status: criteria provided, single submitter. Criteria: ACMG Guidelines, 2015. Collection method: clinical testing. Allele origin: unknown.

PreventionGenetics, part of Exact Sciences
Classification: Uncertain significance for BBS9-related condition. Last evaluated: 2024-06-25. Review status: no assertion criteria provided. Collection method: clinical testing. Allele origin: germline. Not counted in ClinVar's aggregate classification.
Comment: The BBS9 c.20G>A variant is predicted to result in the amino acid substitution p.Arg7His. To our knowledge, this variant has not been reported in the literature. This variant is reported in 0.014% of alleles in individuals of Latino descent in gnomAD. At this time, the clinical significance of this variant is uncertain due to the absence of conclusive functional and genetic evidence.

NM_198428.3(BBS9):c.20G>A (p.Arg7His)

Gene: BBS9 (Bardet-Biedl syndrome 9; plus strand). Cytogenetic location: 7p14.3.
Variant type: single nucleotide variant.
Coding change: c.20G>A on transcript NM_198428.3 (MANE Select); coding-DNA position 20, G replaced by A.
Protein change: p.Arg7His; replaces arginine 7 with histidine.
Molecular consequence: missense variant. On other transcripts: 5 prime UTR variant (3), non-coding transcript variant (3), intron variant (4).
Genome position (GRCh38, 1-based): chr7:33,146,272, G>A. VCF-style: chr7-33146272-G-A. GRCh37 (hg19) VCF-style: chr7-33185884-G-A.
Other names: c.20G>A (NM_198428.2); c.20G>A, p.Arg7His (NM_001033604.2, NM_001033605.2, NM_001348036.1 and 5 more transcripts); c.-282G>A (NM_001348037.3); c.-258G>A (NM_001348038.3, NM_001348039.3); c.-23-6429G>A (NM_001348042.3); c.-189-6429G>A (NM_001348045.3); c.-39+16231G>A (NM_001348046.3, NM_001348044.3); short protein forms R7H.
Identifiers: ClinVar variation 1501963 (VCV001501963.9), dbSNP rs746340993, ClinGen allele CA4213851.
Genomic context (GRCh38, chr7:33,146,272, plus strand): 5'-AGTAGATTATTATAAATGTTTTCTTTTTAGTGTGAAAGAAAATGTCTTTATTTAAAGCCC[G>A]TGATTGGTGGTCTACTATTCTGGGAGATAAAGAAGAATTTGATCAAGGCTGTTTGTGTCT-3'
Protein context (NP_940820.1, residues 1-17): MSLFKA[Arg7His]DWWSTILGDK